The following is an entry in ClinVar:

NM_012431.3(SEMA3E):c.1725A>G (p.Gln575=)

Gene: SEMA3E (semaphorin 3E; minus strand). Cytogenetic location: 7q21.11.
Variant type: single nucleotide variant.
Coding change: c.1725A>G on transcript NM_012431.3 (MANE Select); coding-DNA position 1725, A replaced by G.
Protein change: p.Gln575=; no amino-acid change (glutamine 575 retained).
Molecular consequence: synonymous variant.
Genome position (GRCh38, 1-based): chr7:83,386,993, T>C on the plus strand (A>G on the coding strand, the complement: SEMA3E is on the minus strand). VCF-style: chr7-83386993-T-C. GRCh37 (hg19) VCF-style: chr7-83016309-T-C.
Other names: c.1545A>G, p.Gln515= (NM_001178129.2).
Identifiers: ClinVar variation 695255 (VCV000695255.32), dbSNP rs574901886, ClinGen allele CA4321929.

ClinVar aggregate classification (germline): Benign/Likely benign. Review status: criteria provided, multiple submitters, no conflicts (2 of 4 stars). 3 submissions from 3 submitters: Benign (1); Likely benign (2). Last evaluated 2026-07-01.

Conditions:
CHARGE syndrome (CHARGE). Also called: Coloboma, heart anomaly, choanal atresia, retardation, genital and ear anomalies; CHARGE association; Hall-Hittner syndrome; Hittner Hirsch Kreh syndrome; CHARGE ASSOCIATION--COLOBOMA, HEART ANOMALY, CHOANAL ATRESIA, RETARDATION, GENITAL AND EAR ANOMALIES. Identifiers: Orphanet 138, MedGen C0265354, MONDO:0008965.
Hypogonadotropic hypogonadism 7 with or without anosmia (HH7). Also called: GNRHR-Related GnRH Deficiency; HYPOGONADOTROPIC HYPOGONADISM 7 WITHOUT ANOSMIA. Identifiers: Orphanet 432, MedGen C0342384, MONDO:0007794, OMIM 146110.

Allele frequency attached by ClinVar (database versions not stated): gnomAD 0.00002 and 0.00010; TOPMed 0.00005; 1000 Genomes Project 30x 0.00031; 1000 Genomes Project 0.00040.
gnomAD v4.1: 301 of 1,613,304 alleles (0.019%); highest among the groups gnomAD compares: South Asian, 0.29%; 3 homozygotes.

Submissions (3):

CeGaT Center for Human Genetics Tuebingen
Classification: Likely benign. Last evaluated: 2026-07-01. Review status: criteria provided, single submitter. Criteria: CeGaT Center For Human Genetics Tuebingen Variant Classification Criteria Version 2. Collection method: clinical testing. Allele origin: germline. Affected: yes. Observed: 2 variant alleles.
Comment: SEMA3E: BP4, BP7

Labcorp Genetics (formerly Invitae), Labcorp
Classification: Benign for CHARGE syndrome. Last evaluated: 2025-06-17. Review status: criteria provided, single submitter. Criteria: Invitae Variant Classification Sherloc (09022015). Collection method: clinical testing. Allele origin: germline.

Fulgent Genetics
Classification: Likely benign for Hypogonadotropic hypogonadism 7 with or without anosmia; CHD7-related CHARGE syndrome. Last evaluated: 2021-11-30. Review status: criteria provided, single submitter. Criteria: ACMG Guidelines, 2015. Collection method: clinical testing. Allele origin: unknown.